The following is an entry in ClinVar:

NM_000081.4(LYST):c.4360G>T (p.Ala1454Ser)

Gene: LYST (lysosomal trafficking regulator; minus strand). Cytogenetic location: 1q42.3.
Variant type: single nucleotide variant.
Coding change: c.4360G>T on transcript NM_000081.4 (MANE Select); coding-DNA position 4360, G replaced by T.
Protein change: p.Ala1454Ser; replaces alanine 1454 with serine.
Molecular consequence: missense variant.
Genome position (GRCh38, 1-based): chr1:235,791,882, C>A on the plus strand (G>T on the coding strand, the complement: LYST is on the minus strand). VCF-style: chr1-235791882-C-A. GRCh37 (hg19) VCF-style: chr1-235955182-C-A.
Other names: c.4360G>T, p.Ala1454Ser (NM_001301365.1); short protein forms A1454S.
Identifiers: ClinVar variation 2076113 (VCV002076113.1), dbSNP rs894358649, ClinGen allele CA39627978.

ClinVar aggregate classification (germline): Uncertain significance (1 of 4 stars; one submission).

Conditions:
Chédiak-Higashi syndrome (CHS). Also called: Chediak-Higashi Syndrome. Identifiers: Orphanet 167, MedGen C0007965, MONDO:0008963, OMIM 214500.

Allele frequency attached by ClinVar (database versions not stated): TOPMed below 0.00001.

Submission:

Labcorp Genetics (formerly Invitae), Labcorp
Classification: Uncertain significance for Chédiak-Higashi syndrome. Last evaluated: 2022-07-03. Review status: criteria provided, single submitter. Criteria: Invitae Variant Classification Sherloc (09022015). Collection method: clinical testing. Allele origin: germline.
Comment: This sequence change replaces alanine, which is neutral and non-polar, with serine, which is neutral and polar, at codon 1454 of the LYST protein (p.Ala1454Ser). This variant is not present in population databases (gnomAD no frequency). This variant has not been reported in the literature in individuals affected with LYST-related conditions. Algorithms developed to predict the effect of missense changes on protein structure and function are either unavailable or do not agree on the potential impact of this missense change (SIFT: "Tolerated"; PolyPhen-2: "Possibly Damaging"; Align-GVGD: "Class C15"). In summary, the available evidence is currently insufficient to determine the role of this variant in disease. Therefore, it has been classified as a Variant of Uncertain Significance.